The following is an entry in ClinVar:

NM_006371.5(CRTAP):c.101_109dup (p.Arg34_Phe36dup)

Gene: CRTAP (cartilage associated protein; plus strand). Cytogenetic location: 3p22.3.
Variant type: Duplication.
Coding change: c.101_109dup on transcript NM_006371.5 (MANE Select); coding-DNA positions 101 to 109, 9 bases duplicated (GCAGCTTCC; older notation c.101_109dupGCAGCTTCC).
Protein change: p.Arg34_Phe36dup.
Molecular consequence: inframe insertion.
Genome position (GRCh38, 1-based): chr3:33,114,178-33,114,186, GCAGCTTCC duplicated; duplicating any 9 consecutive bases within chr3:33,114,170-33,114,186 gives the same sequence; the c. name uses the placement nearest the transcript's 3' end. VCF-style (leftmost placement, unchanged base first): chr3-33114169-A-ACAGCTTCCG. GRCh37 (hg19) VCF-style: chr3-33155661-A-ACAGCTTCCG.
Other names: c.101_109dupGCAGCTTCC (NM_006371.4); c.101_109dup, p.Arg34_Phe36dup (NM_001393363.1, NM_001393364.1, NM_001393365.1).
Identifiers: ClinVar variation 644126 (VCV000644126.6), dbSNP rs778741063, ClinGen allele CA2300191.

ClinVar aggregate classification (germline): Uncertain significance (1 of 4 stars; one submission).

Conditions:
Osteogenesis imperfecta type 7 (OI7). Also called: OSTEOGENESIS IMPERFECTA, TYPE IIB; Osteogenesis imperfecta type 2B; OI type 2B; Osteogenesis imperfecta, perinatal lethal autosomal recessive; OI type IIB; OI type 7. Identifiers: MedGen C1853162, MONDO:0012536, OMIM 610682.

Submission:

Labcorp Genetics (formerly Invitae), Labcorp
Classification: Uncertain significance for Osteogenesis imperfecta type 7. Last evaluated: 2024-11-25. Review status: criteria provided, single submitter. Criteria: Invitae Variant Classification Sherloc (09022015). Collection method: clinical testing. Allele origin: germline.
Comment: This variant, c.101_109dup, results in the insertion of 3 amino acid(s) of the CRTAP protein (p.Arg34_Phe36dup), but otherwise preserves the integrity of the reading frame. This variant is present in population databases (rs778741063, gnomAD 0.008%). This variant has not been reported in the literature in individuals affected with CRTAP-related conditions. ClinVar contains an entry for this variant (Variation ID: 644126). Experimental studies and prediction algorithms are not available or were not evaluated, and the functional significance of this variant is currently unknown. In summary, the available evidence is currently insufficient to determine the role of this variant in disease. Therefore, it has been classified as a Variant of Uncertain Significance.